The following is an entry in ClinVar:

ClinVar aggregate classification (germline): Benign/Likely benign. Review status: criteria provided, multiple submitters, no conflicts (2 of 4 stars). 8 submissions from 8 submitters: Benign (3); Likely benign (5). Last evaluated 2026-03-01.

Conditions:
Rubinstein-Taybi syndrome (RSTS). Identifiers: Orphanet 783, MedGen C0035934, MONDO:0019188.
Inborn genetic diseases. Identifiers: MedGen C0950123, MeSH D030342.

Allele frequency attached by ClinVar (database versions not stated): gnomAD exomes 0.00028 and 0.00066; ExAC 0.00080; ESP Exome Variant Server 0.00246; gnomAD 0.00294 and 0.00320; 1000 Genomes Project 0.00300; 1000 Genomes Project 30x 0.00312; TOPMed 0.00331.
gnomAD v4.1: 868 of 1,614,094 alleles (0.054%); highest among the groups gnomAD compares: African/African-American, 1%; 2 homozygotes.

Submissions (8):

CeGaT Center for Human Genetics Tuebingen
Classification: Likely benign. Last evaluated: 2026-03-01. Review status: criteria provided, single submitter. Criteria: CeGaT Center For Human Genetics Tuebingen Variant Classification Criteria Version 2. Collection method: clinical testing. Allele origin: germline. Affected: yes. Observed: 2 variant alleles.
Comment: CREBBP: BP4, BP7, BS1

Labcorp Genetics (formerly Invitae), Labcorp
Classification: Benign for Rubinstein-Taybi syndrome. Last evaluated: 2026-02-01. Review status: criteria provided, single submitter. Criteria: Invitae Variant Classification Sherloc (09022015). Collection method: clinical testing. Allele origin: germline.

Blueprint Genetics
Classification: Likely benign. Last evaluated: 2024-09-23. Review status: criteria provided, single submitter. Criteria: ACMG Guidelines, 2015. Collection method: clinical testing. Allele origin: germline.

GeneDx
Classification: Benign. Last evaluated: 2019-09-09. Review status: criteria provided, single submitter. Criteria: GeneDx Variant Classification Process June 2021. Collection method: clinical testing. Allele origin: germline. Affected: yes.

Ambry Genetics
Classification: Likely benign for Inborn genetic diseases. Last evaluated: 2016-07-01. Review status: criteria provided, single submitter. Criteria: Ambry Variant Classification Scheme 2023. Collection method: clinical testing. Allele origin: germline.

Eurofins Ntd Llc (ga)
Classification: Benign. Last evaluated: 2013-03-18. Review status: criteria provided, single submitter. Criteria: EGL Classification Definitions 2015. Collection method: clinical testing. Allele origin: germline. Observed: 2 variant alleles, 2 heterozygotes.

Breakthrough Genomics
Classification: Likely benign. Review status: criteria provided, single submitter. Criteria: ACMG Guidelines, 2015. Collection method: not provided. Allele origin: germline. Inheritance: Autosomal dominant inheritance. Affected: yes.

PreventionGenetics, part of Exact Sciences
Classification: Likely benign. Review status: criteria provided, single submitter. Criteria: ACMG Guidelines, 2015. Collection method: clinical testing. Allele origin: germline.

NM_004380.3(CREBBP):c.333C>T (p.Asn111=)

Gene: CREBBP (CREB binding lysine acetyltransferase; minus strand). Cytogenetic location: 16p13.3.
Variant type: single nucleotide variant.
Coding change: c.333C>T on transcript NM_004380.3 (MANE Select); coding-DNA position 333, C replaced by T.
Protein change: p.Asn111=; no amino-acid change (asparagine 111 retained).
Molecular consequence: synonymous variant.
Genome position (GRCh38, 1-based): chr16:3,850,762, G>A on the plus strand (C>T on the coding strand, the complement: CREBBP is on the minus strand). VCF-style: chr16-3850762-G-A. GRCh37 (hg19) VCF-style: chr16-3900763-G-A.
Other names: c.333C>T, p.Asn111= (NM_001079846.1).
Identifiers: ClinVar variation 95044 (VCV000095044.48), dbSNP rs150229705, ClinGen allele CA148121.